The following is an entry in ClinVar:

NM_001377.3(DYNC2H1):c.8833-126G>A

Gene: DYNC2H1 (dynein cytoplasmic 2 heavy chain 1; plus strand). Cytogenetic location: 11q22.3.
Variant type: single nucleotide variant.
Coding change: c.8833-126G>A on transcript NM_001377.3 (MANE Select); 126 bases into the intron before coding-DNA position 8833, G replaced by A.
Molecular consequence: intron variant.
Genome position (GRCh38, 1-based): chr11:103,219,789, G>A. VCF-style: chr11-103219789-G-A. GRCh37 (hg19) VCF-style: chr11-103090518-G-A.
Other names: c.8833-126G>A (NM_001080463.2).
Identifiers: ClinVar variation 669901 (VCV000669901.2), dbSNP rs12574017, ClinGen allele CA227416980.

ClinVar aggregate classification (germline): Benign. Review status: criteria provided, multiple submitters, no conflicts (2 of 4 stars). 2 submissions from 2 submitters: Benign (2). Last evaluated 2018-06-14.

Allele frequency attached by ClinVar (database versions not stated): TOPMed 0.07524; 1000 Genomes Project 0.07728; 1000 Genomes Project 30x 0.07839; gnomAD 0.08728 and 0.08856; gnomAD exomes 0.11525.
gnomAD v4.1: 60,927 of 566,540 alleles (11%); highest among the groups gnomAD compares: East Asian, 13%; 3,754 homozygotes.

Submissions (2):

GeneDx
Classification: Benign. Last evaluated: 2018-06-14. Review status: criteria provided, single submitter. Criteria: GeneDx Variant Classification (06012015). Collection method: clinical testing. Allele origin: germline. Affected: yes.
Comment: This variant is considered likely benign or benign based on one or more of the following criteria: it is a conservative change, it occurs at a poorly conserved position in the protein, it is predicted to be benign by multiple in silico algorithms, and/or has population frequency not consistent with disease.

Breakthrough Genomics
Classification: Benign. Review status: criteria provided, single submitter. Criteria: ACMG Guidelines, 2015. Collection method: not provided. Allele origin: germline. Inheritance: Autosomal recessive inheritance. Affected: yes.